The following is an entry in ClinVar:

NM_022437.3(ABCG8):c.1022A>G (p.Lys341Arg)

Gene: ABCG8 (ATP binding cassette subfamily G member 8; plus strand). Cytogenetic location: 2p21.
Variant type: single nucleotide variant.
Coding change: c.1022A>G on transcript NM_022437.3 (MANE Select); coding-DNA position 1022, A replaced by G.
Protein change: p.Lys341Arg; replaces lysine 341 with arginine.
Molecular consequence: missense variant.
Genome position (GRCh38, 1-based): chr2:43,872,033, A>G. VCF-style: chr2-43872033-A-G. GRCh37 (hg19) VCF-style: chr2-44099172-A-G.
Other names: p.Lys341Arg; c.1022A>G, p.Lys341Arg (NM_001357321.2); short protein forms K341R.
Identifiers: ClinVar variation 4540642 (VCV004540642.2).

ClinVar aggregate classification (germline): Uncertain significance. Review status: criteria provided, multiple submitters, no conflicts (2 of 4 stars). 2 submissions from 2 submitters: Uncertain significance (2). Last evaluated 2025-12-23.

gnomAD v4.1: 1 of 1,614,126 alleles (0.000062%); no homozygotes.

Submissions (2):

Labcorp Genetics (formerly Invitae), Labcorp
Classification: Uncertain significance. Last evaluated: 2025-12-23. Review status: criteria provided, single submitter. Criteria: Invitae Variant Classification Sherloc (09022015). Collection method: clinical testing. Allele origin: germline.
Comment: This sequence change replaces lysine, which is basic and polar, with arginine, which is basic and polar, at codon 341 of the ABCG8 protein (p.Lys341Arg). This variant is present in population databases (no rsID available, gnomAD 0.003%). This variant has not been reported in the literature in individuals affected with ABCG8-related conditions. Invitae Evidence Modeling of protein sequence and biophysical properties (such as structural, functional, and spatial information, amino acid conservation, physicochemical variation, residue mobility, and thermodynamic stability) indicates that this missense variant is not expected to disrupt ABCG8 protein function with a negative predictive value of 80%. In summary, the available evidence is currently insufficient to determine the role of this variant in disease. Therefore, it has been classified as a Variant of Uncertain Significance.

Mayo Clinic Laboratories, Mayo Clinic
Classification: Uncertain significance. Last evaluated: 2024-12-20. Review status: criteria provided, single submitter. Criteria: ACMG Guidelines, 2015. Collection method: clinical testing. Allele origin: germline. Observed: 1 variant allele.
Comment: BP4_moderate, PM2_supporting